The following is an entry in ClinVar:

NM_152296.5(ATP1A3):c.1688G>A (p.Cys563Tyr)

Gene: ATP1A3 (ATPase Na+/K+ transporting subunit alpha 3; minus strand). Cytogenetic location: 19q13.2.
Variant type: single nucleotide variant.
Coding change: c.1688G>A on transcript NM_152296.5 (MANE Select); coding-DNA position 1688, G replaced by A.
Protein change: p.Cys563Tyr; replaces cysteine 563 with tyrosine.
Molecular consequence: missense variant.
Genome position (GRCh38, 1-based): chr19:41,978,269, C>T on the plus strand (G>A on the coding strand, the complement: ATP1A3 is on the minus strand). VCF-style: chr19-41978269-C-T. GRCh37 (hg19) VCF-style: chr19-42482421-C-T.
Other names: c.1721G>A, p.Cys574Tyr (NM_001256213.2); c.1727G>A, p.Cys576Tyr (NM_001256214.2); short protein forms C563Y, C574Y, C576Y.
Identifiers: ClinVar variation 1307546 (VCV001307546.2), dbSNP rs2145965055, ClinGen allele CA406045877.

ClinVar aggregate classification (germline): Uncertain significance (1 of 4 stars; one submission).

Submission:

GeneDx
Classification: Uncertain significance. Last evaluated: 2019-08-07. Review status: criteria provided, single submitter. Criteria: GeneDx Variant Classification Process June 2021. Collection method: clinical testing. Allele origin: germline. Affected: yes.
Comment: Not observed in large population cohorts (Lek et al., 2016); In silico analysis, which includes protein predictors and evolutionary conservation, supports that this variant does not alter protein structure/function; Has not been previously published as pathogenic or benign to our knowledge